The following is an entry in ClinVar:

ClinVar aggregate classification (germline): Conflicting classifications of pathogenicity. Review status: criteria provided, conflicting classifications (1 of 4 stars). 3 submissions from 3 submitters: Likely pathogenic (2); Uncertain significance (1). Last evaluated 2025-03-21.

Conditions:
Autosomal recessive limb-girdle muscular dystrophy type 2J (LGMDR10). Also called: MUSCULAR DYSTROPHY, LIMB-GIRDLE, AUTOSOMAL RECESSIVE 10; Limb-girdle muscular dystrophy, type 2J. Identifiers: Orphanet 140922, MedGen C1837342, MONDO:0012127, OMIM 608807.
Dilated cardiomyopathy 1G (CMD1G). Identifiers: Orphanet 154, MedGen C1858763, MONDO:0011400, OMIM 604145.

Submissions (3):

Labcorp Genetics (formerly Invitae), Labcorp
Classification: Likely pathogenic for Dilated cardiomyopathy 1G; Autosomal recessive limb-girdle muscular dystrophy type 2J. Last evaluated: 2025-03-21. Review status: criteria provided, single submitter. Criteria: Invitae Variant Classification Sherloc (09022015). Collection method: clinical testing. Allele origin: germline.
Comment: This sequence change creates a premature translational stop signal (p.Glu10119Alafs*15) in the TTN gene. While this is not anticipated to result in nonsense mediated decay, it is expected to create a truncated TTN protein. This variant is not present in population databases (gnomAD no frequency). This variant has not been reported in the literature in individuals affected with TTN-related conditions. ClinVar contains an entry for this variant (Variation ID: 1305815). This variant is located in the I band of TTN (PMID: 25589632). Truncating variants in this region have been reported in individuals affected with autosomal recessive centronuclear myopathy (PMID: 23975875, internal data). Truncating variants in this region have also been identified in individuals affected with autosomal dominant dilated cardiomyopathy and/or cardio-related conditions (PMID: 27869827, 32964742, internal data). In summary, the currently available evidence indicates that the variant is pathogenic, but additional data are needed to prove that conclusively. Therefore, this variant has been classified as Likely Pathogenic.

AiLife Diagnostics
Classification: Likely pathogenic. Last evaluated: 2021-11-03. Review status: criteria provided, single submitter. Criteria: ACMG Guidelines, 2015. Collection method: clinical testing. Allele origin: germline. Affected: yes. Observed: 1 variant allele.

GeneDx
Classification: Uncertain significance. Last evaluated: 2019-05-14. Review status: criteria provided, single submitter. Criteria: GeneDx Variant Classification Process June 2021. Collection method: clinical testing. Allele origin: germline. Affected: yes.
Comment: Has not been previously published as pathogenic or benign to our knowledge; Not observed in large population cohorts (Lek et al., 2016); Frameshift variant predicted to result in protein truncation or nonsense mediated decay; Located in the I-band of titin; however, the majority of truncating pathogenic variants associated with DCM have been reported in the A-band region of titin (Herman et al., 2012)

Literature cited by the submitters: PubMed 25589632 (cited by Labcorp Genetics (formerly Invitae), Labcorp); PubMed 23975875 (cited by Labcorp Genetics (formerly Invitae), Labcorp); PubMed 27869827 (cited by Labcorp Genetics (formerly Invitae), Labcorp); PubMed 32964742 (cited by Labcorp Genetics (formerly Invitae), Labcorp).

NM_001267550.2(TTN):c.30356_30359del (p.Glu10119fs)

Gene: TTN (titin; minus strand). Cytogenetic location: 2q31.2.
Variant type: Microsatellite.
Coding change: c.30356_30359del on transcript NM_001267550.2 (MANE Select); coding-DNA positions 30356 to 30359, 4 bases deleted (AGAG; older notation c.30356_30359delAGAG).
Protein change: p.Glu10119fs; shifts the reading frame from glutamic acid 10119.
Molecular consequence: frameshift variant. On other transcripts: intron variant (3).
Genome position (GRCh38, 1-based): chr2:178,702,528-178,702,531, CTCT deleted on the plus strand (AGAG on the coding strand, the reverse complement: TTN is on the minus strand); deleting any 4 consecutive bases within chr2:178,702,528-178,702,533 gives the same sequence; the c. name uses the placement nearest the transcript's 3' end. VCF-style (leftmost placement, unchanged base first): chr2-178702527-GCTCT-G. GRCh37 (hg19) VCF-style: chr2-179567254-GCTCT-G.
Other names: c.29405_29408del, p.Glu9802fs (NM_001256850.1); c.26624_26627del, p.Glu8875fs (NM_133378.4); c.13282+35551_13282+35554del (NM_003319.4); c.13858+35551_13858+35554del (NM_133437.4); c.13657+35551_13657+35554del (NM_133432.3); short protein forms E10119fs, E8875fs, E9802fs.
Identifiers: ClinVar variation 1305815 (VCV001305815.6), dbSNP rs2154290001, ClinGen allele CA2580616622.